The following is an entry in ClinVar:

ClinVar aggregate classification (germline): Uncertain significance (1 of 4 stars; one submission).

gnomAD v4.1: 1 of 1,613,824 alleles (0.000062%); highest among the groups gnomAD compares: South Asian, 0.0011%; no homozygotes.

Submission:

Labcorp Genetics (formerly Invitae), Labcorp
Classification: Uncertain significance. Last evaluated: 2022-08-09. Review status: criteria provided, single submitter. Criteria: Invitae Variant Classification Sherloc (09022015). Collection method: clinical testing. Allele origin: germline.
Comment: This sequence change falls in intron 12 of the TBCD gene. It does not directly change the encoded amino acid sequence of the TBCD protein. This variant is not present in population databases (gnomAD no frequency). This variant has not been reported in the literature in individuals affected with TBCD-related conditions. ClinVar contains an entry for this variant (Variation ID: 1473286). Algorithms developed to predict the effect of sequence changes on RNA splicing suggest that this variant may disrupt the consensus splice site. In summary, the available evidence is currently insufficient to determine the role of this variant in disease. Therefore, it has been classified as a Variant of Uncertain Significance.

NM_005993.5(TBCD):c.1224-5C>G

Gene: TBCD (tubulin folding cofactor D). Cytogenetic location: 17q25.3.
Variant type: single nucleotide variant.
Coding change: c.1224-5C>G on transcript NM_005993.5 (MANE Select); 5 bases into the intron before coding-DNA position 1224, C replaced by G.
Molecular consequence: intron variant.
Genome position (GRCh38, 1-based): chr17:82,814,835, C>G. VCF-style: chr17-82814835-C-G. GRCh37 (hg19) VCF-style: chr17-80772711-C-G.
Identifiers: ClinVar variation 1473286 (VCV001473286.5), dbSNP rs746746111, ClinGen allele CA2573155107.